The following is an entry in ClinVar:

NM_005612.5(REST):c.1826_1840del (p.Asp609_Met613del)

Gene: REST (RE1 silencing transcription factor; plus strand). Cytogenetic location: 4q12.
Variant type: Deletion.
Coding change: c.1826_1840del on transcript NM_005612.5 (MANE Select); coding-DNA positions 1826 to 1840, 15 bases deleted (ACCCTCCTCAGATGG).
Protein change: p.Asp609_Met613del.
Molecular consequence: inframe deletion. On other transcripts: inframe indel (2).
Genome position (GRCh38, 1-based): chr4:56,930,684-56,930,698, ACCCTCCTCAGATGG deleted; deleting any 15 consecutive bases within chr4:56,930,675-56,930,698 gives the same sequence; the c. name uses the placement nearest the transcript's 3' end. VCF-style (leftmost placement, unchanged base first): chr4-56930674-GCTCAGATGGACCCTC-G. GRCh37 (hg19) VCF-style: chr4-57796840-GCTCAGATGGACCCTC-G.
Other names: c.1826_1840delACCCTCCTCAGATGG, p.Asp609_Met613del (NM_001193508.2, NM_001363453.3).
Identifiers: ClinVar variation 1329793 (VCV001329793.2), dbSNP rs1166428807, ClinGen allele CA552144871.
Genomic context (GRCh38, chr4:56,930,674, plus strand): 5'-AATAAATCAAGTAAGAAAAGCAGTAAGCCTCCTCAGAAGGAACCTGTTGAGAAGGGATCT[GCTCAGATGGACCCTC>G]CTCAGATGGGGCCTGCTCCCACAGAGGCGGTTCAGAAGGGGCCCGTTCAGGTGGAGCCGC-3'

ClinVar aggregate classification (germline): Uncertain significance (1 of 4 stars; one submission).

Submission:

GeneDx
Classification: Uncertain significance. Last evaluated: 2021-06-23. Review status: criteria provided, single submitter. Criteria: GeneDx Variant Classification Process June 2021. Collection method: clinical testing. Allele origin: germline. Affected: yes.
Comment: Variants in candidate genes are classified as variants of uncertain significance in accordance with ACMG guidelines (Richards 2015); Has not been previously published as pathogenic or benign to our knowledge; Not observed at significant frequency in large population cohorts (Lek 2016); In silico analysis supports that this variant does not alter protein structure/function